The following is an entry in ClinVar:

ClinVar aggregate classification (germline): Uncertain significance. Review status: criteria provided, multiple submitters, no conflicts (2 of 4 stars). 6 submissions from 6 submitters: Uncertain significance (5). 1 of the submissions does not count toward it. Last evaluated 2025-07-17.

Conditions:
RECQL-related disorder. Also called: RECQL-related condition.
RECON progeroid syndrome (RECON). Identifiers: MedGen C5830504, MONDO:0957266, OMIM 620370.

Allele frequency attached by ClinVar (database versions not stated): gnomAD 0.00002 and 0.00003; TOPMed 0.00003; gnomAD exomes 0.00004; ExAC 0.00005.
gnomAD v4.1: 116 of 1,613,836 alleles (0.0072%); highest among the groups gnomAD compares: Non-Finnish European, 0.0093%; no homozygotes.

Submissions (6):

Quest Diagnostics Nichols Institute San Juan Capistrano
Classification: Uncertain significance. Last evaluated: 2025-07-17. Review status: criteria provided, single submitter. Criteria: Quest Diagnostics criteria. Collection method: clinical testing. Allele origin: unknown.
Comment: The RECQL c.760A>G (p.Thr254Ala) variant has been reported in individuals affected with breast cancer (PMID: 25915596 (2015), 33471991 (2021), see also LOVD) and bladder cancer (PMID: 29625052 (2018)). This variant has also been identified in reportedly unaffected individuals (PMID: 33471991 (2021), see also LOVD). The frequency of this variant in the general population (Genome Aggregation Database) is uninformative in the assessment of its pathogenicity. Analysis of this variant using bioinformatics tools for the prediction of the effect of amino acid changes on protein structure and function yielded predictions that this variant is damaging. Based on the available information, we are unable to determine the clinical significance of this variant.

Labcorp Genetics (formerly Invitae), Labcorp
Classification: Uncertain significance. Last evaluated: 2024-10-29. Review status: criteria provided, single submitter. Criteria: Invitae Variant Classification Sherloc (09022015). Collection method: clinical testing. Allele origin: germline.
Comment: This sequence change replaces threonine, which is neutral and polar, with alanine, which is neutral and non-polar, at codon 254 of the RECQL protein (p.Thr254Ala). This variant is present in population databases (rs200538229, gnomAD 0.006%). This missense change has been observed in individual(s) with bladder cancer (PMID: 29625052, 36451132). ClinVar contains an entry for this variant (Variation ID: 947805). Invitae Evidence Modeling of protein sequence and biophysical properties (such as structural, functional, and spatial information, amino acid conservation, physicochemical variation, residue mobility, and thermodynamic stability) indicates that this missense variant is expected to disrupt RECQL protein function with a positive predictive value of 80%. In summary, the available evidence is currently insufficient to determine the role of this variant in disease. Therefore, it has been classified as a Variant of Uncertain Significance.

GeneDx
Classification: Uncertain significance. Last evaluated: 2024-07-05. Review status: criteria provided, single submitter. Criteria: GeneDx Variant Classification Process June 2021. Collection method: clinical testing. Allele origin: germline. Affected: yes.
Comment: In silico analysis supports that this missense variant has a deleterious effect on protein structure/function; Observed in individuals with a personal or family history including breast or bladder cancer (PMID: 25915596, 29625052); Variants in candidate genes are classified as variants of uncertain significance in accordance with ACMG guidelines (PMID: 25741868); Not observed at significant frequency in large population cohorts (gnomAD); This variant is associated with the following publications: (PMID: 26455304, 29625052, 25915596, 19151156, 27248010, 36451132)

Department of Pathology and Laboratory Medicine, Sinai Health System
Classification: Uncertain significance for RECON progeroid syndrome. Last evaluated: 2023-12-18. Review status: criteria provided, single submitter. Criteria: ACMG Guidelines, 2015. Collection method: research. Allele origin: germline.

Ambry Genetics
Classification: Uncertain significance. Last evaluated: 2022-09-10. Review status: criteria provided, single submitter. Criteria: Ambry Variant Classification Scheme 2023. Collection method: clinical testing. Allele origin: germline.
Comment: The p.T254A variant (also known as c.760A>G), located in coding exon 6 of the RECQL gene, results from an A to G substitution at nucleotide position 760. The threonine at codon 254 is replaced by alanine, an amino acid with similar properties. This amino acid position is highly conserved in available vertebrate species. In addition, this alteration is predicted to be deleterious by in silico analysis. Since supporting evidence is limited at this time, the clinical significance of this alteration remains unclear.

PreventionGenetics, part of Exact Sciences
Classification: Uncertain significance for RECQL-related condition. Last evaluated: 2024-03-18. Review status: no assertion criteria provided. Collection method: clinical testing. Allele origin: germline. Not counted in ClinVar's aggregate classification.
Comment: The RECQL c.760A>G variant is predicted to result in the amino acid substitution p.Thr254Ala. This variant has been reported in an individual with bladder urothelial carcinoma (Table S2B, Huang et al. 2018. PubMed ID: 29625052; Table S2B, Yang et al. 2022. PubMed ID: 36451132). This variant is reported in 0.0057% of alleles in individuals of Latino descent in gnomAD and is interpreted as uncertain significance in the ClinVar database. At this time, the clinical significance of this variant is uncertain due to the absence of conclusive functional and genetic evidence.

Literature cited by the submitters: PubMed 33471991 (cited by Quest Diagnostics Nichols Institute San Juan Capistrano); PubMed 29625052 (cited by Quest Diagnostics Nichols Institute San Juan Capistrano and Labcorp Genetics (formerly Invitae), Labcorp); PubMed 25915596 (cited by Quest Diagnostics Nichols Institute San Juan Capistrano); PubMed 36451132 (cited by Labcorp Genetics (formerly Invitae), Labcorp).

NM_002907.4(RECQL):c.760A>G (p.Thr254Ala)

Gene: RECQL (RecQ like helicase; minus strand). Cytogenetic location: 12p12.1.
Variant type: single nucleotide variant.
Coding change: c.760A>G on transcript NM_002907.4 (MANE Select); coding-DNA position 760, A replaced by G.
Protein change: p.Thr254Ala; replaces threonine 254 with alanine.
Molecular consequence: missense variant.
Genome position (GRCh38, 1-based): chr12:21,477,910, T>C on the plus strand (A>G on the coding strand, the complement: RECQL is on the minus strand). VCF-style: chr12-21477910-T-C. GRCh37 (hg19) VCF-style: chr12-21630844-T-C.
Other names: c.760A>G, p.Thr254Ala (NM_032941.3); short protein forms T254A.
Identifiers: ClinVar variation 947805 (VCV000947805.20), dbSNP rs200538229, ClinGen allele CA6478978.